The following is an entry in ClinVar:

NM_000051.4(ATM):c.1300C>T (p.Pro434Ser)

Gene: ATM (ATM serine/threonine kinase; plus strand). Cytogenetic location: 11q22.3.
Variant type: single nucleotide variant.
Coding change: c.1300C>T on transcript NM_000051.4 (MANE Select); coding-DNA position 1300, C replaced by T.
Protein change: p.Pro434Ser; replaces proline 434 with serine.
Molecular consequence: missense variant.
Genome position (GRCh38, 1-based): chr11:108,250,765, C>T. VCF-style: chr11-108250765-C-T. GRCh37 (hg19) VCF-style: chr11-108121492-C-T.
Other names: c.1300C>T, p.Pro434Ser (NM_001351834.2); short protein forms P434S.
Identifiers: ClinVar variation 421484 (VCV000421484.16), dbSNP rs1064795171, ClinGen allele CA16619114.

ClinVar aggregate classification (germline): Uncertain significance. Review status: criteria provided, multiple submitters, no conflicts (2 of 4 stars). 3 submissions from 3 submitters: Uncertain significance (3). Last evaluated 2023-11-15.

Conditions:
Hereditary cancer-predisposing syndrome. Also called: Hereditary neoplastic syndrome; Hereditary Cancer Syndrome; Neoplastic Syndromes, Hereditary; Tumor predisposition. Identifiers: Orphanet 140162, MedGen C0027672, MeSH D009386, MONDO:0015356.
Ataxia-telangiectasia syndrome (AT). Also called: Ataxia-telangiectasia, complementation group D; Cerebello-oculocutaneous telangiectasia; Immunodeficiency with ataxia telangiectasia; ATAXIA-TELANGIECTASIA, COMPLEMENTATION GROUP A; ATAXIA-TELANGIECTASIA, FRESNO VARIANT; LOUIS-BAR SYNDROME. Identifiers: Orphanet 100, MedGen C0004135, MONDO:0008840, OMIM 208900.

Submissions (3):

GeneDx
Classification: Uncertain significance. Last evaluated: 2023-11-15. Review status: criteria provided, single submitter. Criteria: GeneDx Variant Classification Process June 2021. Collection method: clinical testing. Allele origin: germline. Affected: yes.
Comment: Not observed at significant frequency in large population cohorts (gnomAD); In silico analysis supports that this missense variant has a deleterious effect on protein structure/function; Identified in a blood sample from a patient with chronic lymphocytic leukemia (PMID: 11756185); This variant is associated with the following publications: (PMID: 12400598, 11756185)

Labcorp Genetics (formerly Invitae), Labcorp
Classification: Uncertain significance for Ataxia-telangiectasia syndrome. Last evaluated: 2023-02-24. Review status: criteria provided, single submitter. Criteria: Invitae Variant Classification Sherloc (09022015). Collection method: clinical testing. Allele origin: germline.
Comment: This sequence change replaces proline, which is neutral and non-polar, with serine, which is neutral and polar, at codon 434 of the ATM protein (p.Pro434Ser). This variant is not present in population databases (gnomAD no frequency). This variant has not been reported in the literature in individuals affected with ATM-related conditions. ClinVar contains an entry for this variant (Variation ID: 421484). Algorithms developed to predict the effect of missense changes on protein structure and function output the following: SIFT: "Not Available"; PolyPhen-2: "Benign"; Align-GVGD: "Not Available". The serine amino acid residue is found in multiple mammalian species, which suggests that this missense change does not adversely affect protein function. In summary, the available evidence is currently insufficient to determine the role of this variant in disease. Therefore, it has been classified as a Variant of Uncertain Significance.

Ambry Genetics
Classification: Uncertain significance for Hereditary cancer-predisposing syndrome. Last evaluated: 2017-07-25. Review status: criteria provided, single submitter. Criteria: Ambry Variant Classification Scheme 2023. Collection method: clinical testing. Allele origin: germline.
Comment: The p.P434S variant (also known as c.1300C>T), located in coding exon 9 of the ATM gene, results from a C to T substitution at nucleotide position 1300. The proline at codon 434 is replaced by serine, an amino acid with similar properties. One study detected this alteration in 1/50 B-cell chronic lymphocytic leukemia tumors; the germline or somatic origin of this alteration was not determined, and the tumor harboring this alteration showed normal ATM protein expression (Stankovic T et al. Blood, 2002 Jan;99:300-9). This amino acid position is not well conserved in available vertebrate species. In addition, this alteration is predicted to be tolerated by in silico analysis. Since supporting evidence is limited at this time, the clinical significance of this alteration remains unclear.

Literature cited by the submitters: PubMed 11756185 (cited by Ambry Genetics).